The following is an entry in ClinVar:

ClinVar aggregate classification (germline): Uncertain significance. Review status: criteria provided, multiple submitters, no conflicts (2 of 4 stars). 3 submissions from 3 submitters: Uncertain significance (3). Last evaluated 2024-05-02.

Conditions:
Developmental and epileptic encephalopathy, 30 (DEE30). Also called: Epileptic encephalopathy, early infantile, 30. Identifiers: MedGen C4225360, MONDO:0014595, OMIM 616341.

Submissions (3):

Labcorp Genetics (formerly Invitae), Labcorp
Classification: Uncertain significance for Developmental and epileptic encephalopathy, 30. Last evaluated: 2024-05-02. Review status: criteria provided, single submitter. Criteria: Invitae Variant Classification Sherloc (09022015). Collection method: clinical testing. Allele origin: germline.
Comment: This sequence change replaces leucine, which is neutral and non-polar, with proline, which is neutral and non-polar, at codon 709 of the SIK1 protein (p.Leu709Pro). This variant is not present in population databases (gnomAD no frequency). This missense change has been observed in individual(s) with epilepsy (PMID: 36703223). ClinVar contains an entry for this variant (Variation ID: 1809669). Advanced modeling of protein sequence and biophysical properties (such as structural, functional, and spatial information, amino acid conservation, physicochemical variation, residue mobility, and thermodynamic stability) performed at Invitae indicates that this missense variant is not expected to disrupt SIK1 protein function with a negative predictive value of 95%. In summary, the available evidence is currently insufficient to determine the role of this variant in disease. Therefore, it has been classified as a Variant of Uncertain Significance.

Revvity Omics, Revvity
Classification: Uncertain significance for Developmental and epileptic encephalopathy, 30. Last evaluated: 2023-12-27. Review status: criteria provided, single submitter. Criteria: ACMG Guidelines, 2015. Collection method: clinical testing. Allele origin: germline.

Dubai Health Genomic Medicine Center, Dubai Health
Classification: Uncertain significance. Last evaluated: 2022-12-17. Review status: criteria provided, single submitter. Criteria: ACMG Guidelines, 2015. Collection method: clinical testing. Allele origin: germline. Affected: yes.

Literature cited by the submitters: PubMed 36703223 (cited by Labcorp Genetics (formerly Invitae), Labcorp).

NM_173354.5(SIK1):c.2126T>C (p.Leu709Pro)

Gene: SIK1 (salt inducible kinase 1; minus strand). Cytogenetic location: 21q22.3.
Variant type: single nucleotide variant.
Coding change: c.2126T>C on transcript NM_173354.5 (MANE Select); coding-DNA position 2126, T replaced by C.
Protein change: p.Leu709Pro; replaces leucine 709 with proline.
Molecular consequence: missense variant.
Genome position (GRCh38, 1-based): chr21:43,416,968, A>G on the plus strand (T>C on the coding strand, the complement: SIK1 is on the minus strand). VCF-style: chr21-43416968-A-G. GRCh37 (hg19) VCF-style: chr21-44836848-A-G.
Other names: short protein forms L709P.
Identifiers: ClinVar variation 1809669 (VCV001809669.8), dbSNP rs753064938, ClinGen allele CA321324439.
Genomic context (GRCh38, chr21:43,416,968, plus strand): 5'-TCCAGGAGCTGCGCCGCTGAGGCCACCGGGGACGCGCCGGTCTGCAGGAGTGGGGGCGGC[A>G]GCAGCGGGAGCCCCGACGTGAGGAGGGTGCTGGGGAGCGGGGCAGCCCCAGGGCCATCAC-3'
Protein context (NP_775490.2, residues 699-719): STLLTSGLPL[Leu709Pro]PPPLLQTGAS